The following is an entry in ClinVar:

ClinVar aggregate classification (germline): Uncertain significance. Review status: criteria provided, multiple submitters, no conflicts (2 of 4 stars). 2 submissions from 2 submitters: Uncertain significance (2). Last evaluated 2026-05-13.

Conditions:
Hereditary cancer-predisposing syndrome. Also called: Neoplastic Syndromes, Hereditary; Tumor predisposition; Hereditary Cancer Syndrome; Hereditary neoplastic syndrome. Identifiers: Orphanet 140162, MedGen C0027672, MeSH D009386, MONDO:0015356.

Submissions (2):

Ambry Genetics
Classification: Uncertain significance for Hereditary cancer-predisposing syndrome. Last evaluated: 2026-05-13. Review status: criteria provided, single submitter. Criteria: Ambry Variant Classification Scheme 2023. Collection method: clinical testing. Allele origin: germline.
Comment: The p.L704F variant (also known as c.2110C>T), located in coding exon 5 of the PALB2 gene, results from a C to T substitution at nucleotide position 2110. The leucine at codon 704 is replaced by phenylalanine, an amino acid with highly similar properties. This amino acid position is highly conserved in available vertebrate species. In addition, this alteration is predicted to be tolerated by in silico analysis. Based on the available evidence, the clinical significance of this variant remains unclear.

GeneDx
Classification: Uncertain significance. Last evaluated: 2023-09-20. Review status: criteria provided, single submitter. Criteria: GeneDx Variant Classification Process June 2021. Collection method: clinical testing. Allele origin: germline. Affected: yes.
Comment: Not observed at significant frequency in large population cohorts (gnomAD); In silico analysis supports that this missense variant has a deleterious effect on protein structure/function; Has not been previously published as pathogenic or benign to our knowledge; This variant is associated with the following publications: (PMID: 22941656)

NM_024675.4(PALB2):c.2110C>T (p.Leu704Phe)

Gene: PALB2 (partner and localizer of BRCA2; minus strand). Cytogenetic location: 16p12.2.
Variant type: single nucleotide variant.
Coding change: c.2110C>T on transcript NM_024675.4 (MANE Select); coding-DNA position 2110, C replaced by T.
Protein change: p.Leu704Phe; replaces leucine 704 with phenylalanine.
Molecular consequence: missense variant.
Genome position (GRCh38, 1-based): chr16:23,630,044, G>A on the plus strand (C>T on the coding strand, the complement: PALB2 is on the minus strand). VCF-style: chr16-23630044-G-A. GRCh37 (hg19) VCF-style: chr16-23641365-G-A.
Other names: short protein forms L704F.
Identifiers: ClinVar variation 1320835 (VCV001320835.5), dbSNP rs2142380865, ClinGen allele CA395125776.
Genomic context (GRCh38, chr16:23,630,044, plus strand): 5'-ACATGTCTGTGGTAGGCCTGTCATTATCATCAGGCGCAACCGTATTTAAAGGAGTATAAA[G>A]TAATATGGATGAAGAAAGGCCCGTCTTTGTATGCTGGCTTTGCGAGTTTGGCCTTTTGGG-3'
Protein context (NP_078951.2, residues 694-714): TKTGLSSSIL[Leu704Phe]YTPLNTVAPD